The following is an entry in ClinVar:

ClinVar aggregate classification (germline): Pathogenic (1 of 4 stars; one submission).

Conditions:
Pyruvate carboxylase deficiency. Also called: ATAXIA WITH LACTIC ACIDOSIS II; LEIGH NECROTIZING ENCEPHALOPATHY DUE TO PYRUVATE CARBOXYLASE DEFICIENCY; LEIGH SYNDROME DUE TO PYRUVATE CARBOXYLASE DEFICIENCY; Pyruvate Carboxylase Deficiency Disease; PC DEFICIENCY. Identifiers: Orphanet 3008, MedGen C0034341, MONDO:0009949, OMIM 266150.

Submission:

Labcorp Genetics (formerly Invitae), Labcorp
Classification: Pathogenic for Pyruvate carboxylase deficiency. Last evaluated: 2023-11-09. Review status: criteria provided, single submitter. Criteria: Invitae Variant Classification Sherloc (09022015). Collection method: clinical testing. Allele origin: unknown.
Comment: This variant is a gross deletion of the genomic region encompassing exon(s) 9 of the PC gene. This deletion is out-of-frame, and is expected to create a premature termination codon and result in an absent or disrupted protein product. Loss-of-function variants in PC are known to be pathogenic (PMID: 12112657, 19306334). This variant has not been reported in the literature in individuals affected with PC-related conditions. For these reasons, this variant has been classified as Pathogenic.

Literature cited by the submitters: PubMed 12112657; PubMed 19306334.

NC_000011.9:g.(?_66636306)_(66637666_?)del

Gene: PC (pyruvate carboxylase; minus strand). Cytogenetic location: 11q13.2.
Variant type: Deletion.
Identifiers: ClinVar variation 3244558 (VCV003244558.1).